The following is an entry in ClinVar:

NM_003737.4(DCHS1):c.4798G>T (p.Ala1600Ser)

Gene: DCHS1 (dachsous cadherin-related 1; minus strand). Cytogenetic location: 11p15.4.
Variant type: single nucleotide variant.
Coding change: c.4798G>T on transcript NM_003737.4 (MANE Select); coding-DNA position 4798, G replaced by T.
Protein change: p.Ala1600Ser; replaces alanine 1600 with serine.
Molecular consequence: missense variant.
Genome position (GRCh38, 1-based): chr11:6,629,909, C>A on the plus strand (G>T on the coding strand, the complement: DCHS1 is on the minus strand). VCF-style: chr11-6629909-C-A. GRCh37 (hg19) VCF-style: chr11-6651140-C-A.
Other names: short protein forms A1600S.
Identifiers: ClinVar variation 1028153 (VCV001028153.4), dbSNP rs1019051197, ClinGen allele CA217297779.
Genomic context (GRCh38, chr11:6,629,909, plus strand): 5'-CCACTGTCAGTACGTGCTCAGCTCGTTGTTCGCGGTCCAACGGCCGCACCACGGACAGCG[C>A]TCCTAGGTGAGCGGTAAGGCAGGTTGGTGGGGACCCCAACACTCCACATCAGCACCTTCC-3'
Protein context (NP_003728.1, residues 1590-1610): GHFRLHSSTG[Ala1600Ser]LSVVRPLDRE

ClinVar aggregate classification (germline): Uncertain significance. Review status: criteria provided, multiple submitters, no conflicts (2 of 4 stars). 2 submissions from 2 submitters: Uncertain significance (2). Last evaluated 2025-10-19.

Conditions:
Mitral valve prolapse, myxomatous 2. Also called: Mitral valve prolapse 2; MMVP2. Identifiers: MedGen C1843003, MONDO:0011915, OMIM 607829.

Allele frequency attached by ClinVar (database versions not stated): gnomAD 0.00001; TOPMed 0.00001.
gnomAD v4.1: 6 of 1,611,138 alleles (0.00037%); highest among the groups gnomAD compares: East Asian, 0.0022%; no homozygotes.

Submissions (2):

Labcorp Genetics (formerly Invitae), Labcorp
Classification: Uncertain significance. Last evaluated: 2025-10-19. Review status: criteria provided, single submitter. Criteria: Invitae Variant Classification Sherloc (09022015). Collection method: clinical testing. Allele origin: germline.
Comment: This sequence change replaces alanine, which is neutral and non-polar, with serine, which is neutral and polar, at codon 1600 of the DCHS1 protein (p.Ala1600Ser). This variant is not present in population databases (gnomAD no frequency). This variant has not been reported in the literature in individuals affected with DCHS1-related conditions. ClinVar contains an entry for this variant (Variation ID: 1028153). An algorithm developed to predict the effect of missense changes on protein structure and function (PolyPhen-2) suggests that this variant is likely to be tolerated. In summary, the available evidence is currently insufficient to determine the role of this variant in disease. Therefore, it has been classified as a Variant of Uncertain Significance.

Baylor Genetics
Classification: Uncertain significance for Mitral valve prolapse, myxomatous 2. Last evaluated: 2020-03-13. Review status: criteria provided, single submitter. Criteria: ACMG Guidelines, 2015. Collection method: clinical testing. Allele origin: unknown. Affected: yes.
Comment: This variant was determined to be of uncertain significance according to ACMG Guidelines, 2015 [PMID:25741868].